The following is an entry in ClinVar:

NC_000003.11:g.(?_81584326)_(81586266_?)del

Gene: GBE1 (1,4-alpha-glucan branching enzyme 1; minus strand). Cytogenetic location: 3p12.2.
Variant type: Deletion.
Identifiers: ClinVar variation 3246826 (VCV003246826.1).

ClinVar aggregate classification (germline): Pathogenic (1 of 4 stars; one submission).

Conditions:
Glycogen storage disease IV, classic hepatic. Also called: GSD IV, CLASSIC HEPATIC. Identifiers: MedGen C1856301.
Glycogen storage disease, type IV (GSD4). Also called: AMYLOPECTINOSIS; ANDERSEN DISEASE; BRANCHER DEFICIENCY; CIRRHOSIS, FAMILIAL, WITH DEPOSITION OF ABNORMAL GLYCOGEN; GBE1 DEFICIENCY; GLYCOGEN BRANCHING ENZYME DEFICIENCY. Identifiers: Orphanet 367, MedGen C0017923, MONDO:0009292, OMIM 232500.

Submission:

Labcorp Genetics (formerly Invitae), Labcorp
Classification: Pathogenic for Glycogen storage disease, type IV; Glycogen storage disease IV, classic hepatic. Last evaluated: 2023-09-04. Review status: criteria provided, single submitter. Criteria: Invitae Variant Classification Sherloc (09022015). Collection method: clinical testing. Allele origin: unknown.
Comment: This variant is a gross deletion of the genomic region encompassing exon(s) 13-14 of the GBE1 gene. This deletion is out-of-frame, and is expected to create a premature termination codon and result in an absent or disrupted protein product. Loss-of-function variants in GBE1 are known to be pathogenic (PMID: 15452297, 20058079). This variant has not been reported in the literature in individuals affected with GBE1-related conditions. For these reasons, this variant has been classified as Pathogenic.

Literature cited by the submitters: PubMed 15452297; PubMed 20058079.